The following is an entry in ClinVar:

NM_004329.3(BMPR1A):c.382A>T (p.Asn128Tyr)

Gene: BMPR1A (bone morphogenetic protein receptor type 1A; plus strand). Cytogenetic location: 10q23.2.
Variant type: single nucleotide variant.
Coding change: c.382A>T on transcript NM_004329.3 (MANE Select); coding-DNA position 382, A replaced by T.
Protein change: p.Asn128Tyr; replaces asparagine 128 with tyrosine.
Molecular consequence: missense variant. On other transcripts: non-coding transcript variant (3), intron variant (1).
Genome position (GRCh38, 1-based): chr10:86,899,842, A>T. VCF-style: chr10-86899842-A-T. GRCh37 (hg19) VCF-style: chr10-88659599-A-T.
Other names: c.333+7613A>T (NM_001406589.1); c.382A>T, p.Asn128Tyr (NM_001406559.1, NM_001406560.1, NM_001406561.1 and 22 more transcripts); c.298A>T, p.Asn100Tyr (NM_001406584.1, NM_001406585.1, NM_001406586.1 and 2 more transcripts); short protein forms N128Y, N100Y.
Identifiers: ClinVar variation 5032991 (VCV005032991.1).

ClinVar aggregate classification (germline): Uncertain significance (1 of 4 stars; one submission).

Conditions:
Hereditary cancer-predisposing syndrome. Also called: Neoplastic Syndromes, Hereditary; Tumor predisposition; Hereditary neoplastic syndrome; Hereditary Cancer Syndrome. Identifiers: Orphanet 140162, MedGen C0027672, MeSH D009386, MONDO:0015356.

Submission:

Ambry Genetics
Classification: Uncertain significance for Hereditary cancer-predisposing syndrome. Last evaluated: 2026-07-07. Review status: criteria provided, single submitter. Criteria: Ambry Variant Classification Scheme 2023. Collection method: clinical testing. Allele origin: germline.
Comment: The p.N128Y variant (also known as c.382A>T), located in coding exon 4 of the BMPR1A gene, results from an A to T substitution at nucleotide position 382. The asparagine at codon 128 is replaced by tyrosine, an amino acid with dissimilar properties. This amino acid position is conserved. In addition, the in silico prediction for this alteration is inconclusive. Based on the available evidence, the clinical significance of this variant remains unclear.